The following is an entry in ClinVar:

NM_002016.2(FLG):c.6408C>T (p.Asp2136=)

Genes: CCDST (cervical cancer associated DHX9 suppressive transcript; plus strand), FLG (filaggrin; minus strand). Cytogenetic location: 1q21.3.
Variant type: single nucleotide variant.
Coding change: c.6408C>T on transcript NM_002016.2 (MANE Select); coding-DNA position 6408, C replaced by T.
Protein change: p.Asp2136=; no amino-acid change (aspartic acid 2136 retained).
Molecular consequence: synonymous variant.
Genome position (GRCh38, 1-based): chr1:152,308,478, G>A on the plus strand (C>T on the coding strand, the complement: FLG is on the minus strand). VCF-style: chr1-152308478-G-A. GRCh37 (hg19) VCF-style: chr1-152280954-G-A.
Identifiers: ClinVar variation 2639277 (VCV002639277.25), dbSNP rs779803257, ClinGen allele CA1105249.
Genomic context (GRCh38, chr1:152,308,478, plus strand): 5'-TTGCTCTTGGTGGGACCCCTGTCTTCCTCCTCTGCTTGGCCCCGGGTGTCCACGAATGGT[G>A]TCCTGACCCTCTTGGGATGCTGAGTGCCTGGAGCTGTCTTGTGCCTGATCATAATGGGAT-3'
Protein context (NP_002007.1, residues 2126-2146): SRHSASQEGQ[Asp2136=]TIRGHPGPSR

ClinVar aggregate classification (germline): Likely benign. Review status: criteria provided, multiple submitters, no conflicts (2 of 4 stars). 2 submissions from 2 submitters: Likely benign (2). Last evaluated 2024-09-05.

Allele frequency attached by ClinVar (database versions not stated): ExAC 0.00068; 1000 Genomes Project 30x 0.00078.

Submissions (2):

Blueprint Genetics
Classification: Likely benign. Last evaluated: 2024-09-05. Review status: criteria provided, single submitter. Criteria: ACMG Guidelines, 2015. Collection method: clinical testing. Allele origin: germline.

CeGaT Center for Human Genetics Tuebingen
Classification: Likely benign. Last evaluated: 2023-07-01. Review status: criteria provided, single submitter. Criteria: CeGaT Center For Human Genetics Tuebingen Variant Classification Criteria Version 2. Collection method: clinical testing. Allele origin: germline. Affected: yes. Observed: 1 variant allele.
Comment: FLG: BP4, BP7